The following is an entry in ClinVar:

NM_000789.4(ACE):c.1713G>C (p.Lys571Asn)

Gene: ACE (angiotensin I converting enzyme; plus strand). Cytogenetic location: 17q23.3.
Variant type: single nucleotide variant.
Coding change: c.1713G>C on transcript NM_000789.4 (MANE Select); coding-DNA position 1713, G replaced by C.
Protein change: p.Lys571Asn; replaces lysine 571 with asparagine.
Molecular consequence: missense variant.
Genome position (GRCh38, 1-based): chr17:63,484,333, G>C. VCF-style: chr17-63484333-G-C. GRCh37 (hg19) VCF-style: chr17-61561694-G-C.
Other names: c.1146G>C, p.Lys382Asn (NM_001382700.1); c.861G>C, p.Lys287Asn (NM_001382701.1); short protein forms K382N, K571N, K287N.
Identifiers: ClinVar variation 3136308 (VCV003136308.3), dbSNP rs777717910, ClinGen allele CA8699679.

ClinVar aggregate classification (germline): Uncertain significance. Review status: criteria provided, multiple submitters, no conflicts (2 of 4 stars). 3 submissions from 3 submitters: Uncertain significance (3). Last evaluated 2024-03-22.

Conditions:
ACE-related disorder. Also called: ACE-related condition; ACE-related disorders.
Inborn genetic diseases. Identifiers: MedGen C0950123, MeSH D030342.

Allele frequency attached by ClinVar (database versions not stated): gnomAD exomes below 0.00001; TOPMed 0.00001; ExAC 0.00002; gnomAD 0.00003.

Submissions (3):

Blueprint Genetics
Classification: Uncertain significance. Last evaluated: 2024-03-22. Review status: criteria provided, single submitter. Criteria: ACMG Guidelines, 2015. Collection method: clinical testing. Allele origin: germline.

Ambry Genetics
Classification: Uncertain significance for Inborn genetic diseases. Last evaluated: 2024-01-22. Review status: criteria provided, single submitter. Criteria: Ambry Variant Classification Scheme 2023. Collection method: clinical testing. Allele origin: germline.

Daryl Scott Lab, Baylor College of Medicine
Classification: Uncertain significance for ACE-related disorder. Last evaluated: 2024-01-01. Review status: criteria provided, single submitter. Criteria: ACMG Guidelines, 2015. Collection method: clinical testing. Allele origin: paternal. Observed: 1 heterozygote.
Comment: PM2